The following is an entry in ClinVar:

ClinVar aggregate classification (germline): Uncertain significance (1 of 4 stars; one submission).

gnomAD v4.1: 53 of 1,613,490 alleles (0.0033%); highest among the groups gnomAD compares: Non-Finnish European, 0.0042%; no homozygotes.

Submission:

Ambry Genetics
Classification: Uncertain significance. Last evaluated: 2024-04-16. Review status: criteria provided, single submitter. Criteria: Ambry Variant Classification Scheme 2023. Collection method: clinical testing. Allele origin: germline.
Comment: The c.1249G>A (p.A417T) alteration is located in exon (coding exon ) of the SH3RF3 gene. This alteration results from a G to A substitution at nucleotide position 1249, causing the alanine (A) at amino acid position 417 to be replaced by a threonine (T). Based on insufficient or conflicting evidence, the clinical significance of this alteration remains unclear.

NM_001099289.3(SH3RF3):c.1249G>A (p.Ala417Thr)

Genes: RANBP2 (RAN binding protein 2; plus strand), SH3RF3 (SH3 domain containing ring finger 3; plus strand). Cytogenetic location: 2q13.
Variant type: single nucleotide variant.
Coding change: c.1249G>A on transcript NM_001099289.3 (MANE Select); coding-DNA position 1249, G replaced by A.
Protein change: p.Ala417Thr; replaces alanine 417 with threonine.
Molecular consequence: missense variant.
Genome position (GRCh38, 1-based): chr2:109,398,893, G>A. VCF-style: chr2-109398893-G-A. GRCh37 (hg19) VCF-style: chr2-110015349-G-A.
Other names: short protein forms A417T.
Identifiers: ClinVar variation 3318133 (VCV003318133.1).